The following is an entry in ClinVar:

ClinVar aggregate classification (germline): Uncertain significance (1 of 4 stars; one submission).

Conditions:
Nemaline myopathy 2 (NEM2). Also called: Nemaline myopathy 2, autosomal recessive. Identifiers: MedGen C1850569, MONDO:0009725, OMIM 256030.

Submission:

Labcorp Genetics (formerly Invitae), Labcorp
Classification: Uncertain significance for Nemaline myopathy 2. Last evaluated: 2024-06-20. Review status: criteria provided, single submitter. Criteria: Invitae Variant Classification Sherloc (09022015). Collection method: clinical testing. Allele origin: germline.
Comment: This sequence change replaces leucine, which is neutral and non-polar, with phenylalanine, which is neutral and non-polar, at codon 2333 of the NEB protein (p.Leu2333Phe). This variant is not present in population databases (gnomAD no frequency). This variant has not been reported in the literature in individuals affected with NEB-related conditions. Experimental studies and prediction algorithms are not available or were not evaluated, and the functional significance of this variant is currently unknown. In summary, the available evidence is currently insufficient to determine the role of this variant in disease. Therefore, it has been classified as a Variant of Uncertain Significance.

NM_001164508.2(NEB):c.6999G>T (p.Leu2333Phe)

Gene: NEB (nebulin; minus strand). Cytogenetic location: 2q23.3.
Variant type: single nucleotide variant.
Coding change: c.6999G>T on transcript NM_001164508.2 (MANE Select); coding-DNA position 6999, G replaced by T.
Protein change: p.Leu2333Phe; replaces leucine 2333 with phenylalanine.
Molecular consequence: missense variant.
Genome position (GRCh38, 1-based): chr2:151,650,802, C>A on the plus strand (G>T on the coding strand, the complement: NEB is on the minus strand). VCF-style: chr2-151650802-C-A. GRCh37 (hg19) VCF-style: chr2-152507316-C-A.
Other names: c.6999G>T, p.Leu2333Phe (NM_001164507.2, NM_001271208.2, NM_004543.5); short protein forms L2333F.
Identifiers: ClinVar variation 3652438 (VCV003652438.2).